The following is an entry in ClinVar:

ClinVar aggregate classification (germline): Uncertain significance. Review status: criteria provided, multiple submitters, no conflicts (2 of 4 stars). 2 submissions from 2 submitters: Uncertain significance (2). Last evaluated 2026-07-27.

Conditions:
Inborn genetic diseases. Identifiers: MedGen C0950123, MeSH D030342.
Hyperekplexia 3 (HKPX3). Also called: HYPEREKPLEXIA 3, AUTOSOMAL RECESSIVE; HYPEREKPLEXIA 3, AUTOSOMAL DOMINANT. Identifiers: Orphanet 3197, MedGen C3553288, MONDO:0013827, OMIM 614618.

Allele frequency attached by ClinVar (database versions not stated): TOPMed 0.00002; gnomAD exomes 0.00001 and 0.00002; gnomAD 0.00001 and 0.00002.
gnomAD v4.1: 20 of 1,614,052 alleles (0.0012%); highest among the groups gnomAD compares: East Asian, 0.016%; no homozygotes.

Submissions (2):

Ambry Genetics
Classification: Uncertain significance for Inborn genetic diseases. Last evaluated: 2026-07-27. Review status: criteria provided, single submitter. Criteria: Ambry Variant Classification Scheme 2023. Collection method: clinical testing. Allele origin: germline.
Comment: The c.1316G>A (p.R439Q) alteration is located in exon 8 (coding exon 8) of the SLC6A5 gene. This alteration results from a G to A substitution at nucleotide position 1316, causing the arginine (R) at amino acid position 439 to be replaced by a glutamine (Q). Based on data from gnomAD, the A allele has an overall frequency of 0.003% (7/282648) total alleles studied. The highest observed frequency was 0.02% (4/19954) of East Asian alleles. Based on insufficient or conflicting evidence, the clinical significance of this alteration remains unclear.

Labcorp Genetics (formerly Invitae), Labcorp
Classification: Uncertain significance for Hyperekplexia 3. Last evaluated: 2025-01-05. Review status: criteria provided, single submitter. Criteria: Invitae Variant Classification Sherloc (09022015). Collection method: clinical testing. Allele origin: germline.
Comment: This sequence change replaces arginine, which is basic and polar, with glutamine, which is neutral and polar, at codon 439 of the SLC6A5 protein (p.Arg439Gln). The frequency data for this variant in the population databases is considered unreliable, as metrics indicate poor data quality at this position in the gnomAD database. This variant has not been reported in the literature in individuals affected with SLC6A5-related conditions. ClinVar contains an entry for this variant (Variation ID: 1397462). Invitae Evidence Modeling of protein sequence and biophysical properties (such as structural, functional, and spatial information, amino acid conservation, physicochemical variation, residue mobility, and thermodynamic stability) indicates that this missense variant is not expected to disrupt SLC6A5 protein function with a negative predictive value of 95%. In summary, the available evidence is currently insufficient to determine the role of this variant in disease. Therefore, it has been classified as a Variant of Uncertain Significance.

NM_004211.5(SLC6A5):c.1316G>A (p.Arg439Gln)

Gene: SLC6A5 (solute carrier family 6 member 5; plus strand). Cytogenetic location: 11p15.1.
Variant type: single nucleotide variant.
Coding change: c.1316G>A on transcript NM_004211.5 (MANE Select); coding-DNA position 1316, G replaced by A.
Protein change: p.Arg439Gln; replaces arginine 439 with glutamine.
Molecular consequence: missense variant.
Genome position (GRCh38, 1-based): chr11:20,626,763, G>A. VCF-style: chr11-20626763-G-A. GRCh37 (hg19) VCF-style: chr11-20648309-G-A.
Other names: c.614G>A, p.Arg205Gln (NM_001318369.2); c.1316G>A (NM_004211.3); short protein forms R439Q, R205Q.
Identifiers: ClinVar variation 1397462 (VCV001397462.8), dbSNP rs1321205817, ClinGen allele CA379916985.